The following is an entry in ClinVar:

ClinVar aggregate classification (germline): Pathogenic/Likely pathogenic. Review status: criteria provided, multiple submitters, no conflicts (2 of 4 stars). 2 submissions from 2 submitters: Pathogenic (1); Likely pathogenic (1). Last evaluated 2025-09-25.

Conditions:
Gnathodiaphyseal dysplasia (GDD). Also called: GNATHODIAPHYSEAL SCLEROSIS; OSTEOGENESIS IMPERFECTA WITH UNUSUAL SKELETAL LESIONS. Identifiers: Orphanet 53697, MedGen C1833736, MONDO:0008151, OMIM 166260.
Autosomal recessive limb-girdle muscular dystrophy type 2L (LGMDR12). Also called: Limb-Girdle Muscular Dystrophy R12 Anoctamin-5-Related (LGMD-R12); MUSCULAR DYSTROPHY, LIMB-GIRDLE, AUTOSOMAL RECESSIVE 12; Limb-girdle muscular dystrophy, type 2L. Identifiers: Orphanet 206549, MedGen C1969785, MONDO:0012652, OMIM 611307.

Allele frequency attached by ClinVar (database versions not stated): TOPMed 0.00001.
gnomAD v4.1: 5 of 1,611,670 alleles (0.00031%); highest among the groups gnomAD compares: Non-Finnish European, 0.00042%; no homozygotes.

Submissions (2):

Labcorp Genetics (formerly Invitae), Labcorp
Classification: Pathogenic for Autosomal recessive limb-girdle muscular dystrophy type 2L; Gnathodiaphyseal dysplasia. Last evaluated: 2025-09-25. Review status: criteria provided, single submitter. Criteria: Invitae Variant Classification Sherloc (09022015). Collection method: clinical testing. Allele origin: germline.
Comment: This sequence change creates a premature translational stop signal (p.Trp258*) in the ANO5 gene. It is expected to result in an absent or disrupted protein product. Loss-of-function variants in ANO5 are known to be pathogenic (PMID: 21186264, 23606453, 25891276, 30919934). This variant is not present in population databases (gnomAD no frequency). This variant has not been reported in the literature in individuals affected with ANO5-related conditions. ClinVar contains an entry for this variant (Variation ID: 1956859). Algorithms developed to predict the effect of sequence changes on RNA splicing suggest that this variant may disrupt the consensus splice site. For these reasons, this variant has been classified as Pathogenic.

Revvity Omics, Revvity
Classification: Likely pathogenic. Last evaluated: 2021-12-15. Review status: criteria provided, single submitter. Criteria: ACMG Guidelines, 2015. Collection method: clinical testing. Allele origin: germline.

Literature cited by the submitters: PubMed 21186264 (cited by Labcorp Genetics (formerly Invitae), Labcorp); PubMed 23606453 (cited by Labcorp Genetics (formerly Invitae), Labcorp); PubMed 25891276 (cited by Labcorp Genetics (formerly Invitae), Labcorp); PubMed 30919934 (cited by Labcorp Genetics (formerly Invitae), Labcorp).

NM_213599.3(ANO5):c.774G>A (p.Trp258Ter)

Gene: ANO5 (anoctamin 5; plus strand). Cytogenetic location: 11p14.3.
Variant type: single nucleotide variant.
Coding change: c.774G>A on transcript NM_213599.3 (MANE Select); coding-DNA position 774, G replaced by A.
Protein change: p.Trp258Ter; replaces tryptophan 258 with a stop codon.
Molecular consequence: nonsense.
Genome position (GRCh38, 1-based): chr11:22,239,580, G>A. VCF-style: chr11-22239580-G-A. GRCh37 (hg19) VCF-style: chr11-22261126-G-A.
Other names: c.771G>A, p.Trp257Ter (NM_001142649.2); c.732G>A, p.Trp244Ter (NM_001410963.1); c.729G>A, p.Trp243Ter (NM_001410964.1); short protein forms W244*, W257*, W258*, W243*.
Identifiers: ClinVar variation 1956859 (VCV001956859.8), dbSNP rs868734578, ClinGen allele CA218744001.